The following is an entry in ClinVar:

ClinVar aggregate classification (germline): Benign/Likely benign. Review status: criteria provided, multiple submitters, no conflicts (2 of 4 stars). 8 submissions from 8 submitters: Benign (1); Likely benign (6). 1 of the submissions does not count toward it. Last evaluated 2026-04-20.

Conditions:
AEBP1-related disorder. Also called: AEBP1-related condition.

Allele frequency attached by ClinVar (database versions not stated): 1000 Genomes Project 30x 0.00016; 1000 Genomes Project 0.00020; ExAC 0.00248; gnomAD exomes 0.00250 and 0.00399; gnomAD 0.00255 and 0.00262; TOPMed 0.00261; ESP Exome Variant Server 0.00277.
gnomAD v4.1: 6,210 of 1,613,520 alleles (0.38%); highest among the groups gnomAD compares: Non-Finnish European, 0.46%; 11 homozygotes.

Submissions (8):

Women's Health and Genetics/Laboratory Corporation of America, LabCorp
Classification: Likely benign. Last evaluated: 2026-04-20. Review status: criteria provided, single submitter. Criteria: LabCorp Variant Classification Summary - May 2015. Collection method: clinical testing. Allele origin: germline.

Labcorp Genetics (formerly Invitae), Labcorp
Classification: Likely benign. Last evaluated: 2026-02-04. Review status: criteria provided, single submitter. Criteria: Invitae Variant Classification Sherloc (09022015). Collection method: clinical testing. Allele origin: germline.

CeGaT Center for Human Genetics Tuebingen
Classification: Likely benign. Last evaluated: 2026-01-01. Review status: criteria provided, single submitter. Criteria: CeGaT Center For Human Genetics Tuebingen Variant Classification Criteria Version 2. Collection method: clinical testing. Allele origin: germline. Affected: yes. Observed: 8 variant alleles.
Comment: AEBP1: BS1

Blueprint Genetics
Classification: Likely benign. Last evaluated: 2024-11-20. Review status: criteria provided, single submitter. Criteria: ACMG Guidelines, 2015. Collection method: clinical testing. Allele origin: germline.

Mayo Clinic Laboratories, Mayo Clinic
Classification: Benign. Last evaluated: 2024-05-23. Review status: criteria provided, single submitter. Criteria: ACMG Guidelines, 2015. Collection method: clinical testing. Allele origin: germline. Observed: 20 variant alleles.
Comment: BS1, BS2, BP4

GeneDx
Classification: Likely benign. Last evaluated: 2021-04-22. Review status: criteria provided, single submitter. Criteria: GeneDx Variant Classification Process June 2021. Collection method: clinical testing. Allele origin: germline. Affected: yes.

Breakthrough Genomics
Classification: Likely benign. Review status: criteria provided, single submitter. Criteria: ACMG Guidelines, 2015. Collection method: not provided. Allele origin: germline. Inheritance: Autosomal recessive inheritance. Affected: yes.

PreventionGenetics, part of Exact Sciences
Classification: Likely benign for AEBP1-related condition. Last evaluated: 2019-06-20. Review status: no assertion criteria provided. Collection method: clinical testing. Allele origin: germline. Not counted in ClinVar's aggregate classification.
Comment: This variant is classified as likely benign based on ACMG/AMP sequence variant interpretation guidelines (Richards et al. 2015 PMID: 25741868, with internal and published modifications).

NM_001129.5(AEBP1):c.3091G>A (p.Ala1031Thr)

Gene: AEBP1 (AE binding protein 1; plus strand). Cytogenetic location: 7p13.
Variant type: single nucleotide variant.
Coding change: c.3091G>A on transcript NM_001129.5 (MANE Select); coding-DNA position 3091, G replaced by A.
Protein change: p.Ala1031Thr; replaces alanine 1031 with threonine.
Molecular consequence: missense variant.
Genome position (GRCh38, 1-based): chr7:44,113,875, G>A. VCF-style: chr7-44113875-G-A. GRCh37 (hg19) VCF-style: chr7-44153474-G-A.
Other names: p.Ala1031Thr; short protein forms A1031T.
Identifiers: ClinVar variation 709651 (VCV000709651.47), dbSNP rs146344486, ClinGen allele CA4238404.